The following is an entry in ClinVar:

ClinVar aggregate classification (germline): Conflicting classifications of pathogenicity. Review status: criteria provided, conflicting classifications (1 of 4 stars). 2 submissions from 2 submitters: Uncertain significance (1); Likely benign (1). Last evaluated 2025-05-05.

Conditions:
Malignant hyperthermia, susceptibility to, 5 (MHS5). Also called: CACNA1S-Related Malignant Hyperthermia Susceptibility. Identifiers: Orphanet 423, MedGen C1866077, MONDO:0011163, OMIM 601887.
Hypokalemic periodic paralysis, type 1. Also called: HypoPP; Hypokalemic Periodic Paralysis Type 1 (AD). Identifiers: Orphanet 681, MedGen C3714580, MONDO:0042979, OMIM 170400.

Allele frequency attached by ClinVar (database versions not stated): gnomAD exomes below 0.00001; ExAC 0.00001.
gnomAD v4.1: 17 of 1,614,188 alleles (0.0011%); highest among the groups gnomAD compares: Non-Finnish European, 0.0014%; no homozygotes.

Submissions (2):

Labcorp Genetics (formerly Invitae), Labcorp
Classification: Likely benign for Hypokalemic periodic paralysis, type 1; Malignant hyperthermia, susceptibility to, 5. Last evaluated: 2025-05-05. Review status: criteria provided, single submitter. Criteria: Invitae Variant Classification Sherloc (09022015). Collection method: clinical testing. Allele origin: germline.

All of Us Research Program, National Institutes of Health
Classification: Uncertain significance for Malignant hyperthermia, susceptibility to, 5. Last evaluated: 2023-09-04. Review status: criteria provided, single submitter. Criteria: ACMG Guidelines, 2015. Collection method: clinical testing. Allele origin: germline. Inheritance: Autosomal dominant inheritance. Observed: 2 variant alleles, 2 heterozygotes.
Comment: This variant is located in the CACNA1S protein. To our knowledge, functional studies have not been reported for this variant. This variant has not been reported in individuals affected with CACNA1S-related disorders in the literature. This variant has been identified in 1/251416 chromosomes in the general population by the Genome Aggregation Database (gnomAD). The available evidence is insufficient to determine the role of this variant in disease conclusively. Therefore, this variant is classified as a Variant of Uncertain Significance.

This study involves interpretation of variants in research participants for the purpose of population health screening. Participant phenotype was not available at the time of variant classification. Additional details can be found in publication PMID: 35346344, PMCID: PMC8962531

NM_000069.3(CACNA1S):c.216G>C (p.Leu72=)

Gene: CACNA1S (calcium voltage-gated channel subunit alpha1 S; minus strand). Cytogenetic location: 1q32.1.
Variant type: single nucleotide variant.
Coding change: c.216G>C on transcript NM_000069.3 (MANE Select); coding-DNA position 216, G replaced by C.
Protein change: p.Leu72=; no amino-acid change (leucine 72 retained).
Molecular consequence: synonymous variant.
Genome position (GRCh38, 1-based): chr1:201,110,206, C>G on the plus strand (G>C on the coding strand, the complement: CACNA1S is on the minus strand). VCF-style: chr1-201110206-C-G. GRCh37 (hg19) VCF-style: chr1-201079334-C-G.
Identifiers: ClinVar variation 1588084 (VCV001588084.10), dbSNP rs754538534, ClinGen allele CA078863.